The following is an entry in ClinVar:

NM_024334.3(TMEM43):c.781-7T>A

Gene: TMEM43 (transmembrane protein 43; plus strand). Cytogenetic location: 3p25.1.
Variant type: single nucleotide variant.
Coding change: c.781-7T>A on transcript NM_024334.3 (MANE Select); 7 bases into the intron before coding-DNA position 781, T replaced by A.
Molecular consequence: intron variant.
Genome position (GRCh38, 1-based): chr3:14,135,800, T>A. VCF-style: chr3-14135800-T-A. GRCh37 (hg19) VCF-style: chr3-14177300-T-A.
Other names: c.784-7T>A (NM_001407274.1); c.781-7T>A (NM_001407276.1); c.778-7T>A (NM_001407275.1, NM_001407277.1); c.706-7T>A (NM_001407279.1); c.766-7T>A (NM_001407278.1); c.631-7T>A (NM_001407280.1).
Identifiers: ClinVar variation 2695186 (VCV002695186.4), dbSNP rs2470191016, ClinGen allele CA2697550706.

ClinVar aggregate classification (germline): Uncertain significance. Review status: criteria provided, multiple submitters, no conflicts (2 of 4 stars). 2 submissions from 2 submitters: Uncertain significance (2). Last evaluated 2024-02-05.

Conditions:
Arrhythmogenic right ventricular dysplasia 5. Also called: Arrhythmogenic Right Ventricular Dysplasia/Cardiomyopathy 5; ARRHYTHMOGENIC RIGHT VENTRICULAR DYSPLASIA, FAMILIAL, 5. Identifiers: MedGen C1858379, MONDO:0011459, OMIM 604400.

Submissions (2):

All of Us Research Program, National Institutes of Health
Classification: Uncertain significance for Arrhythmogenic right ventricular dysplasia 5. Last evaluated: 2024-02-05. Review status: criteria provided, single submitter. Criteria: ACMG Guidelines, 2015. Collection method: clinical testing. Allele origin: germline. Inheritance: Autosomal dominant inheritance. Observed: 1 variant allele, 1 heterozygote.
Comment: This variant causes a T to A nucleotide substitution at the -7 position of intron 9/11 of the TMEM43 gene. Splice site prediction tools predict that this variant may have a significant impact on RNA splicing. To our knowledge, RNA studies have not been reported for this variant. This variant has not been reported in individuals affected with TMEM43-related disorders in the literature. This variant has not been identified in the general population by the Genome Aggregation Database (gnomAD). The available evidence is insufficient to determine the role of this variant in disease conclusively. Therefore, this variant is classified as a Variant of Uncertain Significance.

This study involves interpretation of variants in research participants for the purpose of population health screening. Participant phenotype was not available at the time of variant classification. Additional details can be found in publication PMID: 35346344, PMCID: PMC8962531

Labcorp Genetics (formerly Invitae), Labcorp
Classification: Uncertain significance for Arrhythmogenic right ventricular dysplasia 5. Last evaluated: 2023-11-11. Review status: criteria provided, single submitter. Criteria: Invitae Variant Classification Sherloc (09022015). Collection method: clinical testing. Allele origin: germline.
Comment: This sequence change falls in intron 9 of the TMEM43 gene. It does not directly change the encoded amino acid sequence of the TMEM43 protein. This variant is not present in population databases (gnomAD no frequency). This variant has not been reported in the literature in individuals affected with TMEM43-related conditions. Algorithms developed to predict the effect of sequence changes on RNA splicing suggest that this variant may disrupt the consensus splice site. In summary, the available evidence is currently insufficient to determine the role of this variant in disease. Therefore, it has been classified as a Variant of Uncertain Significance.